The following is an entry in ClinVar:

GRCh37/hg19 Xp22.31(chrX:6477550-8119329)x2

Genes: PNPLA4 (patatin like domain 4, phospholipase and triacylglycerol lipase; minus strand), PUDP (pseudouridine 5'-phosphatase; minus strand), STS (steroid sulfatase; plus strand), VCX (variable charge X-linked; plus strand). Cytogenetic location: Xp22.31.
Variant type: copy number gain.
Change: copy number 2 of chrX:6,477,550-8,119,329 (1.64 Mb, GRCh37 coordinates, 1-based), cytogenetic band Xp22.31.
Identifiers: ClinVar variation 219018 (VCV000219018.5).

ClinVar aggregate classification (germline): Likely pathogenic (1 of 4 stars; one submission).

Submission:

Cytogenetics Laboratory, University of Washington
Classification: Likely pathogenic. Last evaluated: 2015-06-01. Review status: criteria provided, single submitter. Criteria: UW Cytogenetics and Genomics Laboratory Policy on CNV Interpretation (5/6/2015). Collection method: clinical testing. Allele origin: unknown. Affected: yes. Observed: 1 variant allele.

Literature cited by the submitters: PubMed 20132918; PubMed 21355048; PubMed 22140086; PubMed 24038936.